The following is an entry in ClinVar:

ClinVar aggregate classification (germline): Uncertain significance (0 of 4 stars; one submission).

Conditions:
ADCY3-related disorder. Also called: ADCY3-related condition.

Submission:

PreventionGenetics, part of Exact Sciences
Classification: Uncertain significance for ADCY3-related condition. Last evaluated: 2024-02-15. Review status: no assertion criteria provided. Collection method: clinical testing. Allele origin: germline.
Comment: The ADCY3 c.2464G>A variant is predicted to result in the amino acid substitution p.Gly822Arg. To our knowledge, this variant has not been reported in the literature. This variant is reported in 0.0037% of alleles in individuals of South Asian descent in gnomAD. At this time, the clinical significance of this variant is uncertain due to the absence of conclusive functional and genetic evidence.

NM_004036.5(ADCY3):c.2464G>A (p.Gly822Arg)

Gene: ADCY3 (adenylate cyclase 3; minus strand). Cytogenetic location: 2p23.3.
Variant type: single nucleotide variant.
Coding change: c.2464G>A on transcript NM_004036.5 (MANE Select); coding-DNA position 2464, G replaced by A.
Protein change: p.Gly822Arg; replaces glycine 822 with arginine.
Molecular consequence: missense variant. On other transcripts: intron variant (1).
Genome position (GRCh38, 1-based): chr2:24,827,577, C>T on the plus strand (G>A on the coding strand, the complement: ADCY3 is on the minus strand). VCF-style: chr2-24827577-C-T. GRCh37 (hg19) VCF-style: chr2-25050446-C-T.
Other names: c.2464G>A, p.Gly822Arg (NM_001320613.2, NM_001377132.1); c.2530G>A, p.Gly844Arg (NM_001377128.1); c.2326G>A, p.Gly776Arg (NM_001377129.1); c.1741G>A, p.Gly581Arg (NM_001377131.1); c.2173-3041G>A (NM_001377130.1); short protein forms G581R, G776R, G822R, G844R.
Identifiers: ClinVar variation 3357193 (VCV003357193.1).